The following is an entry in ClinVar:

NM_005228.5(EGFR):c.3271+3G>A

Gene: EGFR (epidermal growth factor receptor; plus strand). Cytogenetic location: 7p11.2.
Variant type: single nucleotide variant.
Coding change: c.3271+3G>A on transcript NM_005228.5 (MANE Select); 3 bases into the intron after coding-DNA position 3271, G replaced by A.
Molecular consequence: intron variant. On other transcripts: missense variant (2).
Genome position (GRCh38, 1-based): chr7:55,202,628, G>A. VCF-style: chr7-55202628-G-A. GRCh37 (hg19) VCF-style: chr7-55270321-G-A.
Other names: c.3139G>A, p.Glu1047Lys (NM_001346897.2); c.3274G>A, p.Glu1092Lys (NM_001346898.2); c.3136+3G>A (NM_001346899.2); c.2470+3G>A (NM_001346941.2); c.3112+3G>A (NM_001346900.2); c.3271+3G>A (NM_005228.3); short protein forms E1047K, E1092K.
Identifiers: ClinVar variation 1361381 (VCV001361381.7), dbSNP rs2128973199, ClinGen allele CA367583609.
Genomic context (GRCh38, chr7:55,202,628, plus strand): 5'-GACCCCACAGGCGCCTTGACTGAGGACAGCATAGACGACACCTTCCTCCCAGTGCCTGGT[G>A]AGTGGCTTGTCTGGAAACAGTCCTGCTCCTCAACCTCCTCGACCCACTCAGCAGCAGCCA-3'

ClinVar aggregate classification (germline): Uncertain significance. Review status: criteria provided, multiple submitters, no conflicts (2 of 4 stars). 2 submissions from 2 submitters: Uncertain significance (2). Last evaluated 2026-02-27.

Conditions:
EGFR-related lung cancer (EGFR). Identifiers: MedGen CN130014.
Hereditary cancer-predisposing syndrome. Also called: Hereditary neoplastic syndrome; Tumor predisposition; Neoplastic Syndromes, Hereditary; Hereditary Cancer Syndrome. Identifiers: Orphanet 140162, MedGen C0027672, MeSH D009386, MONDO:0015356.

Submissions (2):

Ambry Genetics
Classification: Uncertain significance for Hereditary cancer-predisposing syndrome. Last evaluated: 2026-02-27. Review status: criteria provided, single submitter. Criteria: Ambry Variant Classification Scheme 2023. Collection method: clinical testing. Allele origin: germline.
Comment: The c.3271+3G>A intronic variant results from a G to A substitution 3 nucleotides after coding exon 27 in the EGFR gene. This nucleotide position is not well conserved in available vertebrate species. In silico splice site analysis predicts that this alteration will not have any significant effect on splicing. Based on the available evidence, the clinical significance of this variant remains unclear.

Labcorp Genetics (formerly Invitae), Labcorp
Classification: Uncertain significance for EGFR-related lung cancer. Last evaluated: 2023-09-18. Review status: criteria provided, single submitter. Criteria: Invitae Variant Classification Sherloc (09022015). Collection method: clinical testing. Allele origin: germline.
Comment: This sequence change falls in intron 27 of the EGFR gene. It does not directly change the encoded amino acid sequence of the EGFR protein. It affects a nucleotide within the consensus splice site. This variant is not present in population databases (gnomAD no frequency). This variant has not been reported in the literature in individuals affected with EGFR-related conditions. ClinVar contains an entry for this variant (Variation ID: 1361381). Variants that disrupt the consensus splice site are a relatively common cause of aberrant splicing (PMID: 17576681, 9536098). Algorithms developed to predict the effect of sequence changes on RNA splicing suggest that this variant is not likely to affect RNA splicing. In summary, the available evidence is currently insufficient to determine the role of this variant in disease. Therefore, it has been classified as a Variant of Uncertain Significance.

Literature cited by the submitters: PubMed 17576681 (cited by Labcorp Genetics (formerly Invitae), Labcorp); PubMed 9536098 (cited by Labcorp Genetics (formerly Invitae), Labcorp).